The following is an entry in ClinVar:

ClinVar aggregate classification (germline): Uncertain significance (1 of 4 stars; one submission).

Conditions:
Hereditary cancer-predisposing syndrome. Also called: Hereditary neoplastic syndrome; Neoplastic Syndromes, Hereditary; Tumor predisposition; Hereditary Cancer Syndrome. Identifiers: Orphanet 140162, MedGen C0027672, MeSH D009386, MONDO:0015356.

Submission:

Ambry Genetics
Classification: Uncertain significance for Hereditary cancer-predisposing syndrome. Last evaluated: 2025-03-12. Review status: criteria provided, single submitter. Criteria: Ambry Variant Classification Scheme 2023. Collection method: clinical testing. Allele origin: germline.
Comment: The p.G735D variant (also known as c.2204G>A), located in coding exon 19 of the EGFR gene, results from a G to A substitution at nucleotide position 2204. The glycine at codon 735 is replaced by aspartic acid, an amino acid with similar properties. This amino acid position is highly conserved in available vertebrate species. In addition, this alteration is predicted to be deleterious by in silico analysis. Based on the available evidence, the clinical significance of this variant remains unclear.

NM_005228.5(EGFR):c.2204G>A (p.Gly735Asp)

Gene: EGFR (epidermal growth factor receptor; plus strand). Cytogenetic location: 7p11.2.
Variant type: single nucleotide variant.
Coding change: c.2204G>A on transcript NM_005228.5 (MANE Select); coding-DNA position 2204, G replaced by A.
Protein change: p.Gly735Asp; replaces glycine 735 with aspartic acid.
Molecular consequence: missense variant.
Genome position (GRCh38, 1-based): chr7:55,174,741, G>A. VCF-style: chr7-55174741-G-A. GRCh37 (hg19) VCF-style: chr7-55242434-G-A.
Other names: c.2069G>A, p.Gly690Asp (NM_001346897.2, NM_001346899.2); c.2204G>A, p.Gly735Asp (NM_001346898.2); c.2045G>A, p.Gly682Asp (NM_001346900.2); c.1403G>A, p.Gly468Asp (NM_001346941.2); short protein forms G468D, G682D, G690D, G735D.
Identifiers: ClinVar variation 3843836 (VCV003843836.1).